The following is an entry in ClinVar:

ClinVar aggregate classification (germline): Uncertain significance (1 of 4 stars; one submission).

Conditions:
Dilated cardiomyopathy 1G (CMD1G). Identifiers: Orphanet 154, MedGen C1858763, MONDO:0011400, OMIM 604145.
Autosomal recessive limb-girdle muscular dystrophy type 2J (LGMDR10). Also called: Limb-girdle muscular dystrophy, type 2J; MUSCULAR DYSTROPHY, LIMB-GIRDLE, AUTOSOMAL RECESSIVE 10. Identifiers: Orphanet 140922, MedGen C1837342, MONDO:0012127, OMIM 608807.

Submission:

Labcorp Genetics (formerly Invitae), Labcorp
Classification: Uncertain significance for Dilated cardiomyopathy 1G; Autosomal recessive limb-girdle muscular dystrophy type 2J. Last evaluated: 2024-04-02. Review status: criteria provided, single submitter. Criteria: Invitae Variant Classification Sherloc (09022015). Collection method: clinical testing. Allele origin: germline.
Comment: This sequence change replaces proline, which is neutral and non-polar, with arginine, which is basic and polar, at codon 33625 of the TTN protein (p.Pro33625Arg). This variant is not present in population databases (gnomAD no frequency). This variant has not been reported in the literature in individuals affected with TTN-related conditions. Experimental studies and prediction algorithms are not available or were not evaluated, and the functional significance of this variant is currently unknown. This variant is located in the M band of TTN (PMID: 25589632). Non-truncating variants in this region may be relevant for neuromuscular disorders, but have not been definitively shown to cause cardiomyopathy (PMID: 23975875). In summary, the available evidence is currently insufficient to determine the role of this variant in disease. Therefore, it has been classified as a Variant of Uncertain Significance.

Literature cited by the submitters: PubMed 25589632; PubMed 23975875.

NM_001267550.2(TTN):c.100874C>G (p.Pro33625Arg)

Genes: TTN-AS1 (TTN antisense RNA 1; plus strand), TTN (titin; minus strand). Cytogenetic location: 2q31.2.
Variant type: single nucleotide variant.
Coding change: c.100874C>G on transcript NM_001267550.2 (MANE Select); coding-DNA position 100874, C replaced by G.
Protein change: p.Pro33625Arg; replaces proline 33625 with arginine.
Molecular consequence: missense variant. On other transcripts: non-coding transcript variant (1).
Genome position (GRCh38, 1-based): chr2:178,535,741, G>C on the plus strand (C>G on the coding strand, the complement: TTN is on the minus strand). VCF-style: chr2-178535741-G-C. GRCh37 (hg19) VCF-style: chr2-179400468-G-C.
Other names: c.95951C>G, p.Pro31984Arg (NM_001256850.1); c.73679C>G, p.Pro24560Arg (NM_003319.4); c.93170C>G, p.Pro31057Arg (NM_133378.4); c.74054C>G, p.Pro24685Arg (NM_133432.3); c.74255C>G, p.Pro24752Arg (NM_133437.4); short protein forms P24560R, P24685R, P24752R, P31057R, P31984R, P33625R.
Identifiers: ClinVar variation 3748882 (VCV003748882.2).